The following is an entry in ClinVar:

ClinVar aggregate classification (germline): Benign/Likely benign. Review status: criteria provided, multiple submitters, no conflicts (2 of 4 stars). 2 submissions from 2 submitters: Benign (1); Likely benign (1). Last evaluated 2018-09-17.

Conditions:
Atrial fibrillation, familial, 11 (ATFB11). Identifiers: MedGen C3279693, MONDO:0013544, OMIM 614049.

Allele frequency attached by ClinVar (database versions not stated): gnomAD exomes 0.00138 and 0.00370; ExAC 0.00471; gnomAD 0.01531 and 0.01635; 1000 Genomes Project 0.01637; TOPMed 0.01698; 1000 Genomes Project 30x 0.01749; ESP Exome Variant Server 0.01756.
gnomAD v4.1: 4,148 of 1,430,502 alleles (0.29%); highest among the groups gnomAD compares: African/African-American, 5.2%; 96 homozygotes.

Submissions (2):

GeneDx
Classification: Benign. Last evaluated: 2018-09-17. Review status: criteria provided, single submitter. Criteria: GeneDx Variant Classification Process June 2021. Collection method: clinical testing. Allele origin: germline. Affected: yes.

Illumina Laboratory Services, Illumina
Classification: Likely benign for Atrial fibrillation, familial, 11. Last evaluated: 2018-01-13. Review status: criteria provided, single submitter. Criteria: ICSL Variant Classification Criteria 13 December 2019. Collection method: clinical testing. Allele origin: germline.
Comment: This variant was observed in the ICSL laboratory as part of a predisposition screen in an ostensibly healthy population. It had not been previously curated by ICSL or reported in the Human Gene Mutation Database (HGMD: prior to June 1st, 2018), and was therefore a candidate for classification through an automated scoring system. Utilizing variant allele frequency, disease prevalence and penetrance estimates, and inheritance mode, an automated score was calculated to assess if this variant is too frequent to cause the disease. Based on the score and internal cut-off values, a variant classified as likely benign is not then subjected to further curation. The score for this variant resulted in a classification of likely benign for this disease.

NM_181703.4(GJA5):c.-27T>C

Gene: GJA5 (gap junction protein alpha 5; minus strand). Cytogenetic location: 1q21.2.
Variant type: single nucleotide variant.
Coding change: c.-27T>C on transcript NM_181703.4 (MANE Select); 27 bases upstream of the start codon, T replaced by C.
Molecular consequence: 5 prime UTR variant.
Genome position (GRCh38, 1-based): chr1:147,759,265, A>G on the plus strand (T>C on the coding strand, the complement: GJA5 is on the minus strand). VCF-style: chr1-147759265-A-G. GRCh37 (hg19) VCF-style: chr1-147231373-A-G.
Other names: c.-27T>C (NM_005266.7).
Identifiers: ClinVar variation 292454 (VCV000292454.7), dbSNP rs2232190, ClinGen allele CA1065830.